The following is an entry in ClinVar:

ClinVar aggregate classification (germline): Benign (1 of 4 stars; one submission).

Conditions:
Majeed syndrome (MJDS). Also called: CHRONIC RECURRENT MULTIFOCAL OSTEOMYELITIS 1, WITH CONGENITAL DYSERYTHROPOIETIC ANEMIA, WITH OR WITHOUT NEUTROPHILIC DERMATOSIS; LPIN2-Related Majeed Syndrome. Identifiers: Orphanet 77297, MedGen C1864997, MONDO:0012316, OMIM 609628.

Allele frequency attached by ClinVar (database versions not stated): gnomAD 0.00478 and 0.00508; TOPMed 0.00515; 1000 Genomes Project 0.00539; 1000 Genomes Project 30x 0.00609.

Submission:

Illumina Laboratory Services, Illumina
Classification: Benign for Majeed syndrome. Last evaluated: 2017-04-27. Review status: criteria provided, single submitter. Criteria: ICSL Variant Classification Criteria 13 December 2019. Collection method: clinical testing. Allele origin: germline.
Comment: This variant was observed as part of a predisposition screen in an ostensibly healthy population. A literature search was performed for the gene, cDNA change, and amino acid change (where applicable). No publications were found based on this search. Allele frequency data from public databases was too high to be consistent with this variant causing disease. Therefore, this variant is classified as benign.

NM_001375808.2(LPIN2):c.*1082G>A

Gene: LPIN2 (lipin 2; minus strand). Cytogenetic location: 18p11.31.
Variant type: single nucleotide variant.
Coding change: c.*1082G>A on transcript NM_001375808.2 (MANE Select); 1082 bases downstream of the stop codon, G replaced by A.
Molecular consequence: 3 prime UTR variant.
Genome position (GRCh38, 1-based): chr18:2,919,211, C>T on the plus strand (G>A on the coding strand, the complement: LPIN2 is on the minus strand). VCF-style: chr18-2919211-C-T. GRCh37 (hg19) VCF-style: chr18-2919209-C-T.
Other names: c.*1082G>A (NM_001375809.1, NM_014646.2).
Identifiers: ClinVar variation 888771 (VCV000888771.4), dbSNP rs149858117, ClinGen allele CA295493069.